The following is an entry in ClinVar:

ClinVar aggregate classification (germline): Uncertain significance (1 of 4 stars; one submission).

Allele frequency attached by ClinVar (database versions not stated): gnomAD exomes below 0.00001; TOPMed below 0.00001.
gnomAD v4.1: 6 of 1,582,862 alleles (0.00038%); highest among the groups gnomAD compares: Non-Finnish European, 0.00052%; no homozygotes.

Submission:

Labcorp Genetics (formerly Invitae), Labcorp
Classification: Uncertain significance. Last evaluated: 2024-06-03. Review status: criteria provided, single submitter. Criteria: Invitae Variant Classification Sherloc (09022015). Collection method: clinical testing. Allele origin: germline.
Comment: This sequence change replaces glutamic acid, which is acidic and polar, with glycine, which is neutral and non-polar, at codon 572 of the TNFRSF11A protein (p.Glu572Gly). This variant is not present in population databases (gnomAD no frequency). This variant has not been reported in the literature in individuals affected with TNFRSF11A-related conditions. An algorithm developed to predict the effect of missense changes on protein structure and function (PolyPhen-2) suggests that this variant is likely to be disruptive. In summary, the available evidence is currently insufficient to determine the role of this variant in disease. Therefore, it has been classified as a Variant of Uncertain Significance.

NM_003839.4(TNFRSF11A):c.1715A>G (p.Glu572Gly)

Gene: TNFRSF11A (TNF receptor superfamily member 11a; plus strand). Cytogenetic location: 18q21.33.
Variant type: single nucleotide variant.
Coding change: c.1715A>G on transcript NM_003839.4 (MANE Select); coding-DNA position 1715, A replaced by G.
Protein change: p.Glu572Gly; replaces glutamic acid 572 with glycine.
Molecular consequence: missense variant. On other transcripts: 3 prime UTR variant (1).
Genome position (GRCh38, 1-based): chr18:62,384,898, A>G. VCF-style: chr18-62384898-A-G. GRCh37 (hg19) VCF-style: chr18-60052131-A-G.
Other names: c.*139A>G (NM_001270949.2); c.878A>G, p.Glu293Gly (NM_001270950.2); c.764A>G, p.Glu255Gly (NM_001270951.2); c.1673A>G, p.Glu558Gly (NM_001278268.2); short protein forms E572G, E293G, E558G, E255G.
Identifiers: ClinVar variation 2794802 (VCV002794802.3), dbSNP rs1600433596, ClinGen allele CA402620403.